The following is an entry in ClinVar:

NM_000937.5(POLR2A):c.1595G>A (p.Arg532Gln)

Gene: POLR2A (RNA polymerase II subunit A; plus strand). Cytogenetic location: 17p13.1.
Variant type: single nucleotide variant.
Coding change: c.1595G>A on transcript NM_000937.5 (MANE Select); coding-DNA position 1595, G replaced by A.
Protein change: p.Arg532Gln; replaces arginine 532 with glutamine.
Molecular consequence: missense variant.
Genome position (GRCh38, 1-based): chr17:7,499,415, G>A. VCF-style: chr17-7499415-G-A. GRCh37 (hg19) VCF-style: chr17-7402734-G-A.
Other names: short protein forms R532Q.
Identifiers: ClinVar variation 4056753 (VCV004056753.1).

ClinVar aggregate classification (germline): Uncertain significance (1 of 4 stars; one submission).

Conditions:
Neurodevelopmental disorder with hypotonia and variable intellectual and behavioral abnormalities. Identifiers: MedGen C5231423, MONDO:0032829, OMIM 618603.

Submission:

Laboratorio de Genetica e Diagnostico Molecular, Hospital Israelita Albert Einstein
Classification: Uncertain significance for Neurodevelopmental disorder with hypotonia and variable intellectual and behavioral abnormalities. Last evaluated: 2023-11-28. Review status: criteria provided, single submitter. Criteria: ACMG Guidelines, 2015. Collection method: clinical testing. Allele origin: germline. Affected: yes.
Comment: ACMG classification criteria: PM2 supporting, PP2 supporting